The following is an entry in ClinVar:

ClinVar aggregate classification (germline): Uncertain significance (1 of 4 stars; one submission).

Allele frequency attached by ClinVar (database versions not stated): TOPMed below 0.00001.
gnomAD v4.1: 2 of 1,612,246 alleles (0.00012%); highest among the groups gnomAD compares: Non-Finnish European, 0.00017%; no homozygotes.

Submission:

Labcorp Genetics (formerly Invitae), Labcorp
Classification: Uncertain significance. Last evaluated: 2024-09-23. Review status: criteria provided, single submitter. Criteria: Invitae Variant Classification Sherloc (09022015). Collection method: clinical testing. Allele origin: germline.
Comment: This sequence change replaces serine, which is neutral and polar, with cysteine, which is neutral and slightly polar, at codon 662 of the REPS1 protein (p.Ser662Cys). This variant is not present in population databases (gnomAD no frequency). This variant has not been reported in the literature in individuals affected with REPS1-related conditions. ClinVar contains an entry for this variant (Variation ID: 2053077). Invitae Evidence Modeling of protein sequence and biophysical properties (such as structural, functional, and spatial information, amino acid conservation, physicochemical variation, residue mobility, and thermodynamic stability) indicates that this missense variant is not expected to disrupt REPS1 protein function with a negative predictive value of 80%. In summary, the available evidence is currently insufficient to determine the role of this variant in disease. Therefore, it has been classified as a Variant of Uncertain Significance.

NM_001286611.2(REPS1):c.1985C>G (p.Ser662Cys)

Gene: REPS1 (RALBP1 associated Eps domain containing 1; minus strand). Cytogenetic location: 6q24.1.
Variant type: single nucleotide variant.
Coding change: c.1985C>G on transcript NM_001286611.2 (MANE Select); coding-DNA position 1985, C replaced by G.
Protein change: p.Ser662Cys; replaces serine 662 with cysteine.
Molecular consequence: missense variant.
Genome position (GRCh38, 1-based): chr6:138,911,358, G>C on the plus strand (C>G on the coding strand, the complement: REPS1 is on the minus strand). VCF-style: chr6-138911358-G-C. GRCh37 (hg19) VCF-style: chr6-139232495-G-C.
Other names: c.1904C>G, p.Ser635Cys (NM_001128617.3); c.1712C>G, p.Ser571Cys (NM_001286612.2); c.1982C>G, p.Ser661Cys (NM_031922.5); short protein forms S571C, S635C, S661C, S662C.
Identifiers: ClinVar variation 2053077 (VCV002053077.4), dbSNP rs1562510483, ClinGen allele CA365806871.